The following is an entry in ClinVar:

NM_172250.3(MMAA):c.314T>C (p.Ile105Thr)

Gene: MMAA (metabolism of cobalamin associated A; plus strand). Cytogenetic location: 4q31.21.
Variant type: single nucleotide variant.
Coding change: c.314T>C on transcript NM_172250.3 (MANE Select); coding-DNA position 314, T replaced by C.
Protein change: p.Ile105Thr; replaces isoleucine 105 with threonine.
Molecular consequence: missense variant.
Genome position (GRCh38, 1-based): chr4:145,639,453, T>C. VCF-style: chr4-145639453-T-C. GRCh37 (hg19) VCF-style: chr4-146560605-T-C.
Other names: c.314T>C, p.Ile105Thr (NM_001375644.1); short protein forms I105T.
Identifiers: ClinVar variation 1713974 (VCV001713974.5), dbSNP rs2546335789, ClinGen allele CA358352868.

ClinVar aggregate classification (germline): Uncertain significance (1 of 4 stars; one submission).

Conditions:
Methylmalonic aciduria, cblA type (MACA). Also called: Methylmalonic aciduria, vitamin b12-responsive, due to defect in synthesis of adenosylcobalamin, cbla complementation type; MMA cbl A type; Methylmalonic acidemia cblA type; Methylmalonic aciduria, vitamin B12-responsive; Vitamin B12-responsive methylmalonic acidemia type cblA. Identifiers: Orphanet 28, Orphanet 79310, MedGen C1855109, MONDO:0009613, OMIM 251100.

Submission:

Labcorp Genetics (formerly Invitae), Labcorp
Classification: Uncertain significance for Methylmalonic aciduria, cblA type. Last evaluated: 2025-07-07. Review status: criteria provided, single submitter. Criteria: Invitae Variant Classification Sherloc (09022015). Collection method: clinical testing. Allele origin: germline.
Comment: This sequence change replaces isoleucine, which is neutral and non-polar, with threonine, which is neutral and polar, at codon 105 of the MMAA protein (p.Ile105Thr). This variant is not present in population databases (gnomAD no frequency). This variant has not been reported in the literature in individuals affected with MMAA-related conditions. ClinVar contains an entry for this variant (Variation ID: 1713974). Invitae Evidence Modeling of protein sequence and biophysical properties (such as structural, functional, and spatial information, amino acid conservation, physicochemical variation, residue mobility, and thermodynamic stability) indicates that this missense variant is expected to disrupt MMAA protein function with a positive predictive value of 80%. In summary, the available evidence is currently insufficient to determine the role of this variant in disease. Therefore, it has been classified as a Variant of Uncertain Significance.